The following is an entry in ClinVar:

NM_001035.3(RYR2):c.3481G>A (p.Val1161Ile)

Gene: RYR2 (ryanodine receptor 2; plus strand). Cytogenetic location: 1q43.
Variant type: single nucleotide variant.
Coding change: c.3481G>A on transcript NM_001035.3 (MANE Select); coding-DNA position 3481, G replaced by A.
Protein change: p.Val1161Ile; replaces valine 1161 with isoleucine.
Molecular consequence: missense variant.
Genome position (GRCh38, 1-based): chr1:237,569,202, G>A. VCF-style: chr1-237569202-G-A. GRCh37 (hg19) VCF-style: chr1-237732502-G-A.
Other names: short protein forms V1161I.
Identifiers: ClinVar variation 4756762 (VCV004756762.1).

ClinVar aggregate classification (germline): Uncertain significance (1 of 4 stars; one submission).

Conditions:
Cardiomyopathy (CMYO). Also called: Cardiomyopathies. Identifiers: Orphanet 167848, MedGen C0878544, MONDO:0004994, HP:0001638. Inheritance: Various modes of inheritance.

Submission:

Color Diagnostics, LLC DBA Color Health
Classification: Uncertain significance for Cardiomyopathy. Last evaluated: 2025-05-20. Review status: criteria provided, single submitter. Criteria: ACMG Guidelines, 2015. Collection method: clinical testing. Allele origin: germline.
Comment: This missense variant replaces valine with isoleucine at codon 1161 of the RYR2 protein. Computational prediction suggests that this variant may not impact protein structure and function. To our knowledge, functional studies have not been reported for this variant. This variant has not been reported in individuals affected with RYR2-related disorders in the literature. This variant has not been identified in the general population by the Genome Aggregation Database (gnomAD). The available evidence is insufficient to determine the role of this variant in disease conclusively. Therefore, this variant is classified as a Variant of Uncertain Significance.